The following is an entry in ClinVar:

ClinVar aggregate classification (germline): Likely benign (0 of 4 stars; one submission).

Conditions:
SMG8-related disorder. Also called: SMG8-related condition.

Allele frequency attached by ClinVar (database versions not stated): ExAC 0.00003; ESP Exome Variant Server 0.00015.
gnomAD v4.1: 65 of 872,612 alleles (0.0074%); highest among the groups gnomAD compares: Middle Eastern, 0.065%; 1 homozygote.

Submission:

PreventionGenetics, part of Exact Sciences
Classification: Likely benign for SMG8-related condition. Last evaluated: 2021-03-02. Review status: no assertion criteria provided. Collection method: clinical testing. Allele origin: germline.
Comment: This variant is classified as likely benign based on ACMG/AMP sequence variant interpretation guidelines (Richards et al. 2015 PMID: 25741868, with internal and published modifications).

NM_018149.7(SMG8):c.*1G>T

Gene: SMG8 (SMG8 nonsense mediated mRNA decay factor; plus strand). Cytogenetic location: 17q22.
Variant type: single nucleotide variant.
Coding change: c.*1G>T on transcript NM_018149.7 (MANE Select); 1 bases downstream of the stop codon, G replaced by T.
Molecular consequence: 3 prime UTR variant.
Genome position (GRCh38, 1-based): chr17:59,215,003, G>T. VCF-style: chr17-59215003-G-T. GRCh37 (hg19) VCF-style: chr17-57292364-G-T.
Identifiers: ClinVar variation 3053941 (VCV003053941.2), dbSNP rs372496724, ClinGen allele CA8679876.